The following is an entry in ClinVar:

NM_001144757.3(SCG5):c.94C>T (p.Pro32Ser)

Genes: ARHGAP11A-SCG5 (ARHGAP11A-SCG5 readthrough; plus strand), SCG5 (secretogranin V; plus strand). Cytogenetic location: 15q13.3.
Variant type: single nucleotide variant.
Coding change: c.94C>T on transcript NM_001144757.3 (MANE Select); coding-DNA position 94, C replaced by T.
Protein change: p.Pro32Ser; replaces proline 32 with serine.
Molecular consequence: missense variant.
Genome position (GRCh38, 1-based): chr15:32,643,686, C>T. VCF-style: chr15-32643686-C-T. GRCh37 (hg19) VCF-style: chr15-32935887-C-T.
Other names: c.1336C>T, p.Pro446Ser (NM_001368319.1); c.94C>T, p.Pro32Ser (NM_001394278.1, NM_001394279.1, NM_003020.5); short protein forms P446S, P32S.
Identifiers: ClinVar variation 5029060 (VCV005029060.1).

ClinVar aggregate classification (germline): Uncertain significance (1 of 4 stars; one submission).

gnomAD v4.1: 1 of 1,613,774 alleles (0.000062%); highest among the groups gnomAD compares: East Asian, 0.0022%; no homozygotes.

Submission:

Ambry Genetics
Classification: Uncertain significance. Last evaluated: 2026-07-02. Review status: criteria provided, single submitter. Criteria: Ambry Variant Classification Scheme 2023. Collection method: clinical testing. Allele origin: germline.
Comment: The p.P32S variant (also known as c.94C>T), located in coding exon 1 of the SCG5 gene, results from a C to T substitution at nucleotide position 94. The proline at codon 32 is replaced by serine, an amino acid with similar properties. This amino acid position is conserved. In addition, this alteration is predicted to be tolerated by in silico analysis. Based on the available evidence, the clinical significance of this variant remains unclear.